The following is an entry in ClinVar:

ClinVar aggregate classification (germline): Pathogenic/Likely pathogenic. Review status: criteria provided, multiple submitters, no conflicts (2 of 4 stars). 13 submissions from 13 submitters: Pathogenic (11); Likely pathogenic (1). 1 of the submissions does not count toward it. Last evaluated 2026-01-21.

Conditions:
RAD51C-related cancer predisposition. Identifiers: MedGen CN377762, MONDO:0700273.
RAD51C-related disorder. Also called: RAD51C-related condition; RAD51C-related disorders.
Fanconi anemia complementation group O. Also called: RAD51C-Related Fanconi Anemia. Identifiers: Orphanet 84, MedGen C3150653, MONDO:0013248, OMIM 613390.
Breast-ovarian cancer, familial, susceptibility to, 3. Also called: RAD51C-Related Breast/Ovarian Cancer. Identifiers: Orphanet 145, MedGen C3150659, MONDO:0013253, OMIM 613399.
Hereditary cancer-predisposing syndrome. Also called: Hereditary neoplastic syndrome; Tumor predisposition; Neoplastic Syndromes, Hereditary; Hereditary Cancer Syndrome. Identifiers: Orphanet 140162, MedGen C0027672, MeSH D009386, MONDO:0015356.

Submissions (13):

Labcorp Genetics (formerly Invitae), Labcorp
Classification: Pathogenic for Fanconi anemia complementation group O. Last evaluated: 2026-01-21. Review status: criteria provided, single submitter. Criteria: Invitae Variant Classification Sherloc (09022015). Collection method: clinical testing. Allele origin: germline.
Comment: This sequence change creates a premature translational stop signal (p.Leu61Alafs*11) in the RAD51C gene. It is expected to result in an absent or disrupted protein product. Loss-of-function variants in RAD51C are known to be pathogenic (PMID: 20400964, 21990120, 24800917, 29278735). This variant is present in population databases (rs754525165, gnomAD 0.004%). This premature translational stop signal has been observed in individual(s) with prostate cancer (PMID: 27433846). This variant is also known as c.179_180del. ClinVar contains an entry for this variant (Variation ID: 187716). For these reasons, this variant has been classified as Pathogenic.

Victorian Clinical Genetics Services, Murdoch Childrens Research Institute
Classification: Pathogenic for RAD51C-related cancer predisposition. Last evaluated: 2025-12-11. Review status: criteria provided, single submitter. Criteria: ACMG Guidelines, 2015. Collection method: clinical testing. Allele origin: germline. Affected: no.
Comment: This variant is classified as Pathogenic. Evidence in support of pathogenic classification: Variant is predicted to cause nonsense-mediated decay (NMD) and loss of protein (premature termination codon is located at least 54 nucleotides upstream of the final exon-exon junction); Variant is present in gnomAD <0.01 (v4: 4 heterozygote(s), 0 homozygote(s)); This variant has strong previous evidence of pathogenicity in unrelated individuals. This variant has been classified as pathogenic by multiple clinical laboratories in ClinVar; Other NMD-predicted variant(s) comparable to the one identified in this case have very strong previous evidence for pathogenicity (DECIPHER). Additional information: This variant is heterozygous; This gene is associated with both recessive and dominant disease. Fanconi anaemia, complementation group O (MIM#613390) is associated with autosomal recessive inheritance, while RAD51C-related cancer predisposition (MONDO:0700273) is associated with autosomal dominant inheritance (ClinGen); Loss of function is a known mechanism of disease in this gene and is associated with fanconi anaemia, complementation group O (MIM#613390) and RAD51C-related cancer predisposition (MONDO:0700273); Inheritance information for this variant is not currently available in this individual.

Dasa
Classification: Likely pathogenic. Last evaluated: 2025-05-16. Review status: criteria provided, single submitter. Criteria: DASA Assertion Criteria. Collection method: clinical testing. Allele origin: germline.
Comment: NM_058216.3(RAD51C):c.181_182del (p.Leu61Alafs*11) is a frameshift variant in RAD51C predicted to alter the reading frame and introduce a premature termination codon and is predicted to result in an absent or altered protein product. Loss of function is an established disease mechanism for RAD51C (PMID: 21990120; PMID: 24800917; PMID: 20400964). Published studies describe this variant in association with related phenotype (PMID: 27433846). Also, this variant is rare in population databases. Based on the currently available evidence, this variant is classified as likely pathogenic.

Color Diagnostics, LLC DBA Color Health
Classification: Pathogenic for Hereditary cancer-predisposing syndrome. Last evaluated: 2024-03-18. Review status: criteria provided, single submitter. Criteria: ACMG Guidelines, 2015. Collection method: clinical testing. Allele origin: germline.
Comment: This variant deletes 2 nucleotides in exon 2 of the RAD51C gene, creating a frameshift and premature translation stop signal. This variant is expected to result in an absent or non-functional protein product. This variant has been reported in males affected with breast cancer (PMID: 32365798) and metastatic prostate cancer (PMID: 27433846). This variant has been identified in 3/251400 chromosomes in the general population by the Genome Aggregation Database (gnomAD). Loss of RAD51C function is a known mechanism of disease. Based on the available evidence, this variant is classified as Pathogenic.

Baylor Genetics
Classification: Pathogenic for Breast-ovarian cancer, familial, susceptibility to, 3. Last evaluated: 2024-02-29. Review status: criteria provided, single submitter. Criteria: ACMG Guidelines, 2015. Collection method: clinical testing. Allele origin: unknown.

Myriad Genetics, Inc.
Classification: Pathogenic for Breast-ovarian cancer, familial, susceptibility to, 3. Last evaluated: 2024-01-02. Review status: criteria provided, single submitter. Criteria: Myriad Autosomal Dominant, Autosomal Recessive and X-Linked Classification Criteria (2023). Collection method: clinical testing. Allele origin: unknown.
Comment: This variant is considered pathogenic. This variant creates a frameshift predicted to result in premature protein truncation.

Ambry Genetics
Classification: Pathogenic for Hereditary cancer-predisposing syndrome. Last evaluated: 2023-02-07. Review status: criteria provided, single submitter. Criteria: Ambry Variant Classification Scheme 2023. Collection method: clinical testing. Allele origin: germline.
Comment: The c.181_182delCT pathogenic mutation, located in coding exon 2 of the RAD51C gene, results from a deletion of two nucleotides at nucleotide positions 181 to 182, causing a translational frameshift with a predicted alternate stop codon (p.L61Afs*11). This alteration, designated as c.179_180del, was identified in 1/692 men with metastatic prostate cancer who were unselected for family history of cancer or age at diagnosis (Pritchard CC et al. N. Engl. J. Med., 2016 Aug;375:443-53). In addition to the clinical data presented in the literature, this alteration is expected to result in loss of function by premature protein truncation or nonsense-mediated mRNA decay. As such, this alteration is interpreted as a disease-causing mutation.

GeneDx
Classification: Pathogenic. Last evaluated: 2023-01-25. Review status: criteria provided, single submitter. Criteria: GeneDx Variant Classification Process June 2021. Collection method: clinical testing. Allele origin: germline. Affected: yes.
Comment: Frameshift variant predicted to result in protein truncation or nonsense mediated decay in a gene for which loss-of-function is a known mechanism of disease; Not observed at a significant frequency in large population cohorts (gnomAD); This variant is associated with the following publications: (PMID: 27433846, 27806231, 30947698, 32365798, 35220195, 29625052, 29922827, 32107557)

PreventionGenetics, part of Exact Sciences
Classification: Pathogenic for RAD51C-related condition. Last evaluated: 2022-09-01. Review status: criteria provided, single submitter. Criteria: ACMG Guidelines, 2015. Collection method: clinical testing. Allele origin: germline.
Comment: The RAD51C c.181_182delCT variant is predicted to result in a frameshift and premature protein termination (p.Leu61Alafs*11). This variant (reported as c.179_180del) was identified in an individual affected with metastatic prostate cancer, and was classified as pathogenic (Table S1, Pritchard et al. 2016. PubMed ID: 27433846). This variant is reported in 0.0046% of alleles in individuals of European (Finnish) descent in gnomAD and has been interpreted as pathogenic in the ClinVar database. Frameshift variants in RAD51C are expected to be pathogenic. This variant is interpreted as pathogenic.

Revvity Omics, Revvity
Classification: Pathogenic for Fanconi anemia complementation group O. Last evaluated: 2021-04-26. Review status: criteria provided, single submitter. Criteria: ACMG Guidelines, 2015. Collection method: clinical testing. Allele origin: germline.

Blueprint Genetics
Classification: Pathogenic for RAD51C-related disorders. Last evaluated: 2021-03-17. Review status: criteria provided, single submitter. Criteria: ACMG Guidelines, 2015. Collection method: clinical testing. Allele origin: germline. Affected: yes. Observed: 3 variant alleles.

Juno Genomics, Hangzhou Juno Genomics, Inc
Classification: Pathogenic for Breast-ovarian cancer, familial, susceptibility to, 3; Fanconi anemia complementation group O. Review status: criteria provided, single submitter. Criteria: ACMG Guidelines, 2015. Collection method: clinical testing. Allele origin: germline.
Comment: Absent from controls (or at extremely low frequency if recessive) in Genome Aggregation Database.;Null variant in a gene where loss of function (LOF) is a known mechanism of disease.;The prevalence of the variant in affected individuals is significantly increased compared to the prevalence in controls.

Leiden Open Variation Database
Classification: Pathogenic. Last evaluated: 2019-12-04. Review status: no assertion criteria provided. Collection method: curation. Allele origin: germline. Affected: yes. Not counted in ClinVar's aggregate classification.
Comment: Curator: Arleen D. Auerbach. Submitter to LOVD: Andreas Laner.

Literature cited by the submitters: PubMed 20400964 (cited by Labcorp Genetics (formerly Invitae), Labcorp and Dasa); PubMed 21990120 (cited by Labcorp Genetics (formerly Invitae), Labcorp and Dasa); PubMed 24800917 (cited by Labcorp Genetics (formerly Invitae), Labcorp and Dasa); PubMed 29278735 (cited by Labcorp Genetics (formerly Invitae), Labcorp); PubMed 27433846 (cited by 4 submitters); PubMed 32365798 (cited by Color Diagnostics, LLC DBA Color Health).

NM_058216.3(RAD51C):c.181_182del (p.Leu61fs)

Gene: RAD51C (RAD51 paralog C; plus strand). Cytogenetic location: 17q22.
Variant type: Microsatellite.
Coding change: c.181_182del on transcript NM_058216.3 (MANE Select); coding-DNA positions 181 to 182, 2 bases deleted (CT; older notation c.181_182delCT).
Protein change: p.Leu61fs; shifts the reading frame from leucine 61.
Molecular consequence: frameshift variant. On other transcripts: non-coding transcript variant (2).
Genome position (GRCh38, 1-based): chr17:58,694,966-58,694,967, CT deleted; deleting any 2 consecutive bases within chr17:58,694,964-58,694,967 gives the same sequence; the c. name uses the placement nearest the transcript's 3' end. VCF-style (leftmost placement, unchanged base first): chr17-58694963-ACT-A. GRCh37 (hg19) VCF-style: chr17-56772324-ACT-A.
Other names: NM_058216.1:c.181_182del; c.181_182del (NM_058216.2); c.181_182del, p.Leu61fs (NM_002876.4); short protein forms L61fs.
Identifiers: ClinVar variation 187716 (VCV000187716.37), dbSNP rs786203945, ClinGen allele CA198391.